The following is an entry in ClinVar:

ClinVar aggregate classification (germline): Uncertain significance (1 of 4 stars; one submission).

Conditions:
Saldino-Mainzer syndrome (SRTD9). Also called: CONORENAL SYNDROME; SHORT-RIB THORACIC DYSPLASIA 9 WITHOUT POLYDACTYLY; short-rib thoracic dysplasia 9 with or without polydactyly; Renal dysplasia, retinal pigmentary dystrophy, cerebellar ataxia and skeletal dysplasia. Identifiers: Orphanet 140969, MedGen C1849437, MONDO:0009964, OMIM 266920.

gnomAD v4.1: 1 of 1,614,026 alleles (0.000062%); highest among the groups gnomAD compares: Non-Finnish European, 0.000085%; no homozygotes.

Submission:

Labcorp Genetics (formerly Invitae), Labcorp
Classification: Uncertain significance for Saldino-Mainzer syndrome. Last evaluated: 2022-06-09. Review status: criteria provided, single submitter. Criteria: Invitae Variant Classification Sherloc (09022015). Collection method: clinical testing. Allele origin: germline.
Comment: In summary, the available evidence is currently insufficient to determine the role of this variant in disease. Therefore, it has been classified as a Variant of Uncertain Significance. Algorithms developed to predict the effect of missense changes on protein structure and function output the following: SIFT: "Deleterious"; PolyPhen-2: "Benign"; Align-GVGD: "Class C0". The serine amino acid residue is found in multiple mammalian species, which suggests that this missense change does not adversely affect protein function. ClinVar contains an entry for this variant (Variation ID: 954270). This variant has not been reported in the literature in individuals affected with IFT140-related conditions. This variant is not present in population databases (gnomAD no frequency). This sequence change replaces arginine, which is basic and polar, with serine, which is neutral and polar, at codon 352 of the IFT140 protein (p.Arg352Ser).

NM_014714.4(IFT140):c.1056G>T (p.Arg352Ser)

Genes: IFT140 (intraflagellar transport 140; minus strand), LOC105371046 (uncharacterized LOC105371046; plus strand). Cytogenetic location: 16p13.3.
Variant type: single nucleotide variant.
Coding change: c.1056G>T on transcript NM_014714.4 (MANE Select); coding-DNA position 1056, G replaced by T.
Protein change: p.Arg352Ser; replaces arginine 352 with serine.
Molecular consequence: missense variant.
Genome position (GRCh38, 1-based): chr16:1,586,229, C>A on the plus strand (G>T on the coding strand, the complement: IFT140 is on the minus strand). VCF-style: chr16-1586229-C-A. GRCh37 (hg19) VCF-style: chr16-1636230-C-A.
Other names: short protein forms R352S.
Identifiers: ClinVar variation 954270 (VCV000954270.9), dbSNP rs750247837, ClinGen allele CA394216122.